The following is an entry in ClinVar:

NM_003480.4(MFAP5):c.421C>T (p.Arg141Cys)

Genes: MFAP5 (microfibril associated protein 5; minus strand), LOC126861443 (BRD4-independent group 4 enhancer GRCh37_chr12:8800473-8801672; plus strand). Cytogenetic location: 12p13.31.
Variant type: single nucleotide variant.
Coding change: c.421C>T on transcript NM_003480.4 (MANE Select); coding-DNA position 421, C replaced by T.
Protein change: p.Arg141Cys; replaces arginine 141 with cysteine.
Molecular consequence: missense variant. On other transcripts: non-coding transcript variant (2).
Genome position (GRCh38, 1-based): chr12:8,648,192, G>A on the plus strand (C>T on the coding strand, the complement: MFAP5 is on the minus strand). VCF-style: chr12-8648192-G-A. GRCh37 (hg19) VCF-style: chr12-8800788-G-A.
Other names: c.391C>T, p.Arg131Cys (NM_001297709.2); c.355C>T, p.Arg119Cys (NM_001297710.2); c.346C>T, p.Arg116Cys (NM_001297711.2); c.229C>T, p.Arg77Cys (NM_001297712.2); short protein forms R116C, R119C, R131C, R141C, R77C.
Identifiers: ClinVar variation 1738815 (VCV001738815.4), dbSNP rs142380998, ClinGen allele CA6434575.

ClinVar aggregate classification (germline): Uncertain significance. Review status: criteria provided, multiple submitters, no conflicts (2 of 4 stars). 2 submissions from 2 submitters: Uncertain significance (2). Last evaluated 2025-03-20.

Conditions:
Cardiovascular phenotype. Identifiers: MedGen CN230736.

Allele frequency attached by ClinVar (database versions not stated): gnomAD exomes 0.00001; ExAC 0.00001; gnomAD 0.00003; TOPMed 0.00001; ESP Exome Variant Server 0.00008.

Submissions (2):

Labcorp Genetics (formerly Invitae), Labcorp
Classification: Uncertain significance. Last evaluated: 2025-03-20. Review status: criteria provided, single submitter. Criteria: Invitae Variant Classification Sherloc (09022015). Collection method: clinical testing. Allele origin: germline.
Comment: This sequence change replaces arginine, which is basic and polar, with cysteine, which is neutral and slightly polar, at codon 141 of the MFAP5 protein (p.Arg141Cys). This variant is present in population databases (rs142380998, gnomAD 0.0009%). This variant has not been reported in the literature in individuals affected with MFAP5-related conditions. ClinVar contains an entry for this variant (Variation ID: 1738815). An algorithm developed to predict the effect of missense changes on protein structure and function (PolyPhen-2) suggests that this variant is likely to be disruptive. In summary, the available evidence is currently insufficient to determine the role of this variant in disease. Therefore, it has been classified as a Variant of Uncertain Significance.

Ambry Genetics
Classification: Uncertain significance for Cardiovascular phenotype. Last evaluated: 2023-12-10. Review status: criteria provided, single submitter. Criteria: Ambry Variant Classification Scheme 2023. Collection method: clinical testing. Allele origin: germline.
Comment: The p.R141C variant (also known as c.421C>T), located in coding exon 9 of the MFAP5 gene, results from a C to T substitution at nucleotide position 421. The arginine at codon 141 is replaced by cysteine, an amino acid with highly dissimilar properties. This amino acid position is conserved. In addition, this alteration is predicted to be deleterious by in silico analysis. Since supporting evidence is limited at this time, the clinical significance of this alteration remains unclear.